The following is an entry in ClinVar:

ClinVar aggregate classification (germline): Uncertain significance (1 of 4 stars; one submission).

gnomAD v4.1: 1 of 1,613,948 alleles (0.000062%); highest among the groups gnomAD compares: Non-Finnish European, 0.000085%; no homozygotes.

Submission:

GeneDx
Classification: Uncertain significance. Last evaluated: 2025-01-15. Review status: criteria provided, single submitter. Criteria: GeneDx Variant Classification Process June 2021. Collection method: clinical testing. Allele origin: germline. Affected: yes.
Comment: Not observed at significant frequency in large population cohorts (gnomAD); In silico analysis indicates that this missense variant does not alter protein structure/function; This substitution is predicted to be within the C-terminal cytoplasmic domain; Has not been previously published as pathogenic or benign to our knowledge

NM_001165963.4(SCN1A):c.5476G>A (p.Glu1826Lys)

Genes: SCN1A (sodium voltage-gated channel alpha subunit 1; minus strand), LOC102724058 (uncharacterized LOC102724058; plus strand). Cytogenetic location: 2q24.3.
Variant type: single nucleotide variant.
Coding change: c.5476G>A on transcript NM_001165963.4 (MANE Select); coding-DNA position 5476, G replaced by A.
Protein change: p.Glu1826Lys; replaces glutamic acid 1826 with lysine.
Molecular consequence: missense variant. On other transcripts: non-coding transcript variant (1).
Genome position (GRCh38, 1-based): chr2:165,991,799, C>T on the plus strand (G>A on the coding strand, the complement: SCN1A is on the minus strand). VCF-style: chr2-165991799-C-T. GRCh37 (hg19) VCF-style: chr2-166848309-C-T.
Other names: c.5392G>A, p.Glu1798Lys (NM_001165964.3, NM_001353957.2, NM_001353958.2); c.5476G>A, p.Glu1826Lys (NM_001202435.3, NM_001353948.2); c.5443G>A, p.Glu1815Lys (NM_001353949.2, NM_001353950.2, NM_001353951.2 and 2 more transcripts); c.5440G>A, p.Glu1814Lys (NM_001353954.2, NM_001353955.2); c.5389G>A, p.Glu1797Lys (NM_001353960.2); c.3034G>A, p.Glu1012Lys (NM_001353961.2); short protein forms E1012K, E1797K, E1798K, E1814K, E1815K, E1826K.
Identifiers: ClinVar variation 4070751 (VCV004070751.1).